The following is an entry in ClinVar:

ClinVar aggregate classification (germline): Uncertain significance. Review status: criteria provided, multiple submitters, no conflicts (2 of 4 stars). 2 submissions from 2 submitters: Uncertain significance (2). Last evaluated 2025-06-08.

Allele frequency attached by ClinVar (database versions not stated): gnomAD 0.00001; 1000 Genomes Project 30x 0.00016; 1000 Genomes Project 0.00020.
gnomAD v4.1: 14 of 1,613,382 alleles (0.00087%); highest among the groups gnomAD compares: East Asian, 0.0067%; no homozygotes.

Submissions (2):

Labcorp Genetics (formerly Invitae), Labcorp
Classification: Uncertain significance. Last evaluated: 2025-06-08. Review status: criteria provided, single submitter. Criteria: Invitae Variant Classification Sherloc (09022015). Collection method: clinical testing. Allele origin: germline.
Comment: This sequence change replaces alanine, which is neutral and non-polar, with threonine, which is neutral and polar, at codon 245 of the STAT4 protein (p.Ala245Thr). This variant is present in population databases (rs201972198, gnomAD 0.01%). This variant has not been reported in the literature in individuals affected with STAT4-related conditions. ClinVar contains an entry for this variant (Variation ID: 1476200). Invitae Evidence Modeling of protein sequence and biophysical properties (such as structural, functional, and spatial information, amino acid conservation, physicochemical variation, residue mobility, and thermodynamic stability) indicates that this missense variant is expected to disrupt STAT4 protein function with a positive predictive value of 80%. In summary, the available evidence is currently insufficient to determine the role of this variant in disease. Therefore, it has been classified as a Variant of Uncertain Significance.

Breakthrough Genomics
Classification: Uncertain significance. Review status: criteria provided, single submitter. Criteria: ACMG Guidelines, 2015. Collection method: not provided. Allele origin: germline. Inheritance: Unknown mechanism. Affected: yes.

NM_003151.4(STAT4):c.733G>A (p.Ala245Thr)

Gene: STAT4 (signal transducer and activator of transcription 4; minus strand). Cytogenetic location: 2q32.2.
Variant type: single nucleotide variant.
Coding change: c.733G>A on transcript NM_003151.4 (MANE Select); coding-DNA position 733, G replaced by A.
Protein change: p.Ala245Thr; replaces alanine 245 with threonine.
Molecular consequence: missense variant.
Genome position (GRCh38, 1-based): chr2:191,064,856, C>T on the plus strand (G>A on the coding strand, the complement: STAT4 is on the minus strand). VCF-style: chr2-191064856-C-T. GRCh37 (hg19) VCF-style: chr2-191929582-C-T.
Other names: c.733G>A, p.Ala245Thr (NM_001243835.2); short protein forms A245T.
Identifiers: ClinVar variation 1476200 (VCV001476200.7), dbSNP rs201972198, ClinGen allele CA2030805.